The following is an entry in ClinVar:

ClinVar aggregate classification (germline): Uncertain significance (0 of 4 stars; one submission).

Conditions:
Hearing impairment. Also called: Impaired Hearing. Identifiers: MedGen C1384666, MONDO:0005365, HP:0000365.

gnomAD v4.1: 7 of 152,152 alleles (0.0046%); highest among the groups gnomAD compares: Admixed American, 0.02%; no homozygotes.

Submission:

Joint Genome Diagnostic Labs from Nijmegen and Maastricht, Radboudumc and MUMC+
Classification: Uncertain significance for hearing impairment. Review status: no assertion criteria provided. Collection method: clinical testing. Allele origin: germline. Affected: yes.
Comment: Predicted effect on splicing not confirmed with minigene assay

NM_000260.4(MYO7A):c.19-5700G>A

Gene: MYO7A (myosin VIIA; plus strand). Cytogenetic location: 11q13.5.
Variant type: single nucleotide variant.
Coding change: c.19-5700G>A on transcript NM_000260.4 (MANE Select); 5700 bases into the intron before coding-DNA position 19, G replaced by A.
Molecular consequence: intron variant.
Genome position (GRCh38, 1-based): chr11:77,137,009, G>A. VCF-style: chr11-77137009-G-A. GRCh37 (hg19) VCF-style: chr11-76848055-G-A.
Other names: c.-95-2392G>A (NM_001369365.1); c.19-5700G>A (NM_001127180.2).
Identifiers: ClinVar variation 3338135 (VCV003338135.1).